The following is an entry in ClinVar:

ClinVar aggregate classification (germline): Uncertain significance (1 of 4 stars; one submission).

Allele frequency attached by ClinVar (database versions not stated): gnomAD exomes below 0.00001.
gnomAD v4.1: 1 of 1,614,182 alleles (0.000062%); highest among the groups gnomAD compares: Admixed American, 0.0017%; no homozygotes.

Submission:

Labcorp Genetics (formerly Invitae), Labcorp
Classification: Uncertain significance. Last evaluated: 2022-08-17. Review status: criteria provided, single submitter. Criteria: Invitae Variant Classification Sherloc (09022015). Collection method: clinical testing. Allele origin: germline.
Comment: This variant is present in population databases (no rsID available, gnomAD 0.003%). In summary, the available evidence is currently insufficient to determine the role of this variant in disease. Therefore, it has been classified as a Variant of Uncertain Significance. Algorithms developed to predict the effect of missense changes on protein structure and function are either unavailable or do not agree on the potential impact of this missense change (SIFT: "Not Available"; PolyPhen-2: "Probably Damaging"; Align-GVGD: "Not Available"). This variant has not been reported in the literature in individuals affected with PISD-related conditions. This sequence change replaces glycine, which is neutral and non-polar, with aspartic acid, which is acidic and polar, at codon 368 of the PISD protein (p.Gly368Asp).

NM_001326411.2(PISD):c.1103G>A (p.Gly368Asp)

Gene: PISD (phosphatidylserine decarboxylase; minus strand). Cytogenetic location: 22q12.2.
Variant type: single nucleotide variant.
Coding change: c.1103G>A on transcript NM_001326411.2 (MANE Select); coding-DNA position 1103, G replaced by A.
Protein change: p.Gly368Asp; replaces glycine 368 with aspartic acid.
Molecular consequence: missense variant. On other transcripts: 3 prime UTR variant (1).
Genome position (GRCh38, 1-based): chr22:31,619,739, C>T on the plus strand (G>A on the coding strand, the complement: PISD is on the minus strand). VCF-style: chr22-31619739-C-T. GRCh37 (hg19) VCF-style: chr22-32015725-C-T.
Other names: c.1040G>A, p.Gly347Asp (NM_001326412.1, NM_001326413.2, NM_001326414.2); c.1001G>A, p.Gly334Asp (NM_001326415.2, NM_001326416.2, NM_001326417.2 and 2 more transcripts); c.923G>A, p.Gly308Asp (NM_001326418.2); c.887G>A, p.Gly296Asp (NM_001326419.2); c.809G>A, p.Gly270Asp (NM_001326420.2); c.*51G>A (NM_001326421.1); short protein forms G270D, G296D, G308D, G347D, G334D, G368D.
Identifiers: ClinVar variation 2024407 (VCV002024407.4), dbSNP rs1267084718, ClinGen allele CA411284766.